The following is an entry in ClinVar:

NM_001378454.1(ALMS1):c.3265A>G (p.Thr1089Ala)

Gene: ALMS1 (ALMS1 centrosome and basal body associated protein; plus strand). Cytogenetic location: 2p13.1.
Variant type: single nucleotide variant.
Coding change: c.3265A>G on transcript NM_001378454.1 (MANE Select); coding-DNA position 3265, A replaced by G.
Protein change: p.Thr1089Ala; replaces threonine 1089 with alanine.
Molecular consequence: missense variant.
Genome position (GRCh38, 1-based): chr2:73,449,792, A>G. VCF-style: chr2-73449792-A-G. GRCh37 (hg19) VCF-style: chr2-73676919-A-G.
Other names: c.3268A>G, p.Thr1090Ala (NM_015120.4); short protein forms T1090A, T1089A.
Identifiers: ClinVar variation 1926293 (VCV001926293.2), dbSNP rs947554207, ClinGen allele CA50392297.

ClinVar aggregate classification (germline): Uncertain significance (1 of 4 stars; one submission).

Conditions:
Alstrom syndrome (ALMS). Identifiers: Orphanet 64, MedGen C0268425, MONDO:0008763, OMIM 203800.

Allele frequency attached by ClinVar (database versions not stated): gnomAD 0.00001; gnomAD exomes 0.00001; TOPMed 0.00001.
gnomAD v4.1: 6 of 1,613,992 alleles (0.00037%); highest among the groups gnomAD compares: Non-Finnish European, 0.00051%; no homozygotes.

Submission:

Labcorp Genetics (formerly Invitae), Labcorp
Classification: Uncertain significance for Alstrom syndrome. Last evaluated: 2022-01-16. Review status: criteria provided, single submitter. Criteria: Invitae Variant Classification Sherloc (09022015). Collection method: clinical testing. Allele origin: germline.
Comment: This sequence change replaces threonine, which is neutral and polar, with alanine, which is neutral and non-polar, at codon 1090 of the ALMS1 protein (p.Thr1090Ala). The frequency data for this variant in the population databases is considered unreliable, as metrics indicate poor data quality at this position in the gnomAD database. This variant has not been reported in the literature in individuals affected with ALMS1-related conditions. Experimental studies and prediction algorithms are not available or were not evaluated, and the functional significance of this variant is currently unknown. In summary, the available evidence is currently insufficient to determine the role of this variant in disease. Therefore, it has been classified as a Variant of Uncertain Significance.